The following is an entry in ClinVar:

NM_000127.3(EXT1):c.1796G>A (p.Trp599Ter)

Gene: EXT1 (exostosin glycosyltransferase 1; minus strand). Cytogenetic location: 8q24.11.
Variant type: single nucleotide variant.
Coding change: c.1796G>A on transcript NM_000127.3 (MANE Select); coding-DNA position 1796, G replaced by A.
Protein change: p.Trp599Ter; replaces tryptophan 599 with a stop codon.
Molecular consequence: nonsense.
Genome position (GRCh38, 1-based): chr8:117,807,304, C>T on the plus strand (G>A on the coding strand, the complement: EXT1 is on the minus strand). VCF-style: chr8-117807304-C-T. GRCh37 (hg19) VCF-style: chr8-118819543-C-T.
Other names: short protein forms W599*.
Identifiers: ClinVar variation 862384 (VCV000862384.9), dbSNP rs1823253698, ClinGen allele CA371878309.
Genomic context (GRCh38, chr8:117,807,304, plus strand): 5'-ACCATGGAGTAGTCGTTCGTCCACTTTGATGTGTATCCCCACCGCTCCTTAGAGTTATCC[C>T]AGAAGTGGCTGCGCGCGGGGTACCCCACAATCCTCTCAGGGAAGCTCTGCCACACTGTGA-3'

ClinVar aggregate classification (germline): Pathogenic (1 of 4 stars; one submission).

Conditions:
Multiple congenital exostosis (EXT). Also called: MULTIPLE CARTILAGINOUS EXOSTOSES; Hereditary multiple osteochondromas; Multiple osteochondromas; Multiple exostoses; Hereditary multiple exostoses; Hereditary multiple exostosis. Identifiers: Orphanet 321, MedGen C0015306, MONDO:0005508, HP:0002762.

Submission:

Labcorp Genetics (formerly Invitae), Labcorp
Classification: Pathogenic for Multiple congenital exostosis. Last evaluated: 2019-02-04. Review status: criteria provided, single submitter. Criteria: Invitae Variant Classification Sherloc (09022015). Collection method: clinical testing. Allele origin: germline.
Comment: For these reasons, this variant has been classified as Pathogenic. Loss-of-function variants in EXT1 are known to be pathogenic (PMID: 10679937, 11391482, 19810120). This variant has been observed in an individual affected with multiple osteochondromas (PMID: 19344451). This variant is not present in population databases (ExAC no frequency). This sequence change creates a premature translational stop signal (p.Trp599*) in the EXT1 gene. It is expected to result in an absent or disrupted protein product.

Literature cited by the submitters: PubMed 10679937; PubMed 11391482; PubMed 19810120; PubMed 19344451.